The following is an entry in ClinVar:

ClinVar aggregate classification (germline): Uncertain significance (1 of 4 stars; one submission).

Submission:

Labcorp Genetics (formerly Invitae), Labcorp
Classification: Uncertain significance. Last evaluated: 2025-12-23. Review status: criteria provided, single submitter. Criteria: Invitae Variant Classification Sherloc (09022015). Collection method: clinical testing. Allele origin: germline.
Comment: This sequence change replaces proline, which is neutral and non-polar, with serine, which is neutral and polar, at codon 288 of the PABPN1 protein (p.Pro288Ser). This variant is not present in population databases (gnomAD no frequency). This variant has not been reported in the literature in individuals affected with PABPN1-related conditions. Invitae Evidence Modeling of protein sequence and biophysical properties (such as structural, functional, and spatial information, amino acid conservation, physicochemical variation, residue mobility, and thermodynamic stability) indicates that this missense variant is not expected to disrupt PABPN1 protein function with a negative predictive value of 80%. In summary, the available evidence is currently insufficient to determine the role of this variant in disease. Therefore, it has been classified as a Variant of Uncertain Significance.

NM_004643.4(PABPN1):c.862C>T (p.Pro288Ser)

Genes: BCL2L2-PABPN1 (BCL2L2-PABPN1 readthrough; plus strand), PABPN1 (poly(A) binding protein nuclear 1; plus strand). Cytogenetic location: 14q11.2.
Variant type: single nucleotide variant.
Coding change: c.862C>T on transcript NM_004643.4 (MANE Select); coding-DNA position 862, C replaced by T.
Protein change: p.Pro288Ser; replaces proline 288 with serine.
Molecular consequence: missense variant.
Genome position (GRCh38, 1-based): chr14:23,324,270, C>T. VCF-style: chr14-23324270-C-T. GRCh37 (hg19) VCF-style: chr14-23793479-C-T.
Other names: c.943C>T, p.Pro315Ser (NM_001199864.3, NM_001387345.1, NM_001387346.1); c.1060C>T, p.Pro354Ser (NM_001387340.1); c.1039C>T, p.Pro347Ser (NM_001387341.1, NM_001387342.1, NM_001387343.1 and 1 more transcripts); c.862C>T, p.Pro288Ser (NM_001360551.3); c.478C>T, p.Pro160Ser (NM_001360552.2); short protein forms P160S, P288S, P315S, P347S, P354S.
Identifiers: ClinVar variation 4808308 (VCV004808308.1).